The following is an entry in ClinVar:

ClinVar aggregate classification (germline): Uncertain significance (1 of 4 stars; one submission).

Allele frequency attached by ClinVar (database versions not stated): gnomAD exomes below 0.00001.
gnomAD v4.1: 4 of 1,614,180 alleles (0.00025%); highest among the groups gnomAD compares: African/African-American, 0.0053%; no homozygotes.

Submission:

Labcorp Genetics (formerly Invitae), Labcorp
Classification: Uncertain significance. Last evaluated: 2025-01-27. Review status: criteria provided, single submitter. Criteria: Invitae Variant Classification Sherloc (09022015). Collection method: clinical testing. Allele origin: germline.
Comment: This sequence change replaces proline, which is neutral and non-polar, with leucine, which is neutral and non-polar, at codon 52 of the PRCD protein (p.Pro52Leu). This variant is not present in population databases (gnomAD no frequency). This variant has not been reported in the literature in individuals affected with PRCD-related conditions. ClinVar contains an entry for this variant (Variation ID: 1391290). An algorithm developed to predict the effect of missense changes on protein structure and function (PolyPhen-2) suggests that this variant is likely to be disruptive. In summary, the available evidence is currently insufficient to determine the role of this variant in disease. Therefore, it has been classified as a Variant of Uncertain Significance.

NM_001077620.3(PRCD):c.155C>T (p.Pro52Leu)

Genes: CYGB (cytoglobin; minus strand), PRCD (photoreceptor disc component; plus strand). Cytogenetic location: 17q25.1.
Variant type: single nucleotide variant.
Coding change: c.155C>T on transcript NM_001077620.3 (MANE Select); coding-DNA position 155, C replaced by T.
Protein change: p.Pro52Leu; replaces proline 52 with leucine.
Molecular consequence: missense variant. On other transcripts: non-coding transcript variant (1).
Genome position (GRCh38, 1-based): chr17:76,542,564, C>T. VCF-style: chr17-76542564-C-T. GRCh37 (hg19) VCF-style: chr17-74538646-C-T.
Other names: short protein forms P52L.
Identifiers: ClinVar variation 1391290 (VCV001391290.8), dbSNP rs2075004923, ClinGen allele CA401184014.